The following is an entry in ClinVar:

ClinVar aggregate classification (germline): Uncertain significance (1 of 4 stars; one submission).

Allele frequency attached by ClinVar (database versions not stated): gnomAD exomes 0.00001 and 0.00004; ExAC 0.00002; ESP Exome Variant Server 0.00008.
gnomAD v4.1: 13 of 1,613,806 alleles (0.00081%); highest among the groups gnomAD compares: South Asian, 0.0077%; no homozygotes.

Submission:

Labcorp Genetics (formerly Invitae), Labcorp
Classification: Uncertain significance. Last evaluated: 2024-04-14. Review status: criteria provided, single submitter. Criteria: Invitae Variant Classification Sherloc (09022015). Collection method: clinical testing. Allele origin: germline.
Comment: This sequence change replaces alanine, which is neutral and non-polar, with threonine, which is neutral and polar, at codon 155 of the RIPK1 protein (p.Ala155Thr). This variant is present in population databases (rs368353075, gnomAD 0.01%). This variant has not been reported in the literature in individuals affected with RIPK1-related conditions. ClinVar contains an entry for this variant (Variation ID: 1355595). An algorithm developed to predict the effect of missense changes on protein structure and function (PolyPhen-2) suggests that this variant is likely to be disruptive. In summary, the available evidence is currently insufficient to determine the role of this variant in disease. Therefore, it has been classified as a Variant of Uncertain Significance.

NM_001354930.2(RIPK1):c.463G>A (p.Ala155Thr)

Gene: RIPK1 (receptor interacting serine/threonine kinase 1; plus strand). Cytogenetic location: 6p25.2.
Variant type: single nucleotide variant.
Coding change: c.463G>A on transcript NM_001354930.2 (MANE Select); coding-DNA position 463, G replaced by A.
Protein change: p.Ala155Thr; replaces alanine 155 with threonine.
Molecular consequence: missense variant. On other transcripts: 5 prime UTR variant (4).
Genome position (GRCh38, 1-based): chr6:3,083,088, G>A. VCF-style: chr6-3083088-G-A. GRCh37 (hg19) VCF-style: chr6-3083322-G-A.
Other names: c.-27G>A (NM_001317061.3, NM_001354932.2, NM_001354933.2 and 1 more transcripts); c.325G>A, p.Ala109Thr (NM_001354931.2); c.463G>A, p.Ala155Thr (NM_003804.6); short protein forms A155T, A109T.
Identifiers: ClinVar variation 1355595 (VCV001355595.6), dbSNP rs368353075, ClinGen allele CA3618205.